The following is an entry in ClinVar:

ClinVar aggregate classification (germline): Uncertain significance (1 of 4 stars; one submission).

Conditions:
Fanconi anemia (FA). Also called: Fanconi's anemia. Identifiers: Orphanet 84, MedGen C0015625, MeSH D005199, MONDO:0019391.

gnomAD v4.1: 2 of 1,614,132 alleles (0.00012%); highest among the groups gnomAD compares: Non-Finnish European, 0.000085%; no homozygotes.

Submission:

Labcorp Genetics (formerly Invitae), Labcorp
Classification: Uncertain significance for Fanconi anemia. Last evaluated: 2025-02-12. Review status: criteria provided, single submitter. Criteria: Invitae Variant Classification Sherloc (09022015). Collection method: clinical testing. Allele origin: germline.
Comment: This sequence change replaces leucine, which is neutral and non-polar, with arginine, which is basic and polar, at codon 54 of the SLX4 protein (p.Leu54Arg). This variant is not present in population databases (gnomAD no frequency). This variant has not been reported in the literature in individuals affected with SLX4-related conditions. An algorithm developed to predict the effect of missense changes on protein structure and function (PolyPhen-2) suggests that this variant is likely to be disruptive. In summary, the available evidence is currently insufficient to determine the role of this variant in disease. Therefore, it has been classified as a Variant of Uncertain Significance.

NM_032444.4(SLX4):c.161T>G (p.Leu54Arg)

Gene: SLX4 (SLX4 structure-specific endonuclease subunit; minus strand). Cytogenetic location: 16p13.3.
Variant type: single nucleotide variant.
Coding change: c.161T>G on transcript NM_032444.4 (MANE Select); coding-DNA position 161, T replaced by G.
Protein change: p.Leu54Arg; replaces leucine 54 with arginine.
Molecular consequence: missense variant.
Genome position (GRCh38, 1-based): chr16:3,608,804, A>C on the plus strand (T>G on the coding strand, the complement: SLX4 is on the minus strand). VCF-style: chr16-3608804-A-C. GRCh37 (hg19) VCF-style: chr16-3658805-A-C.
Other names: short protein forms L54R.
Identifiers: ClinVar variation 4695673 (VCV004695673.1).